The following is an entry in ClinVar:

ClinVar aggregate classification (germline): Uncertain significance (1 of 4 stars; one submission).

Allele frequency attached by ClinVar (database versions not stated): gnomAD exomes below 0.00001; TOPMed below 0.00001.
gnomAD v4.1: 1 of 1,614,064 alleles (0.000062%); highest among the groups gnomAD compares: South Asian, 0.0011%; no homozygotes.

Submission:

CeGaT Center for Human Genetics Tuebingen
Classification: Uncertain significance. Last evaluated: 2023-02-01. Review status: criteria provided, single submitter. Criteria: CeGaT Center For Human Genetics Tuebingen Variant Classification Criteria Version 2. Collection method: clinical testing. Allele origin: germline. Affected: yes. Observed: 1 variant allele.
Comment: SP110: PM2, BP4

NM_080424.4(SP110):c.455G>A (p.Cys152Tyr)

Genes: SP110 (SP110 nuclear body protein; minus strand), SP140 (SP140 nuclear body protein; plus strand). Cytogenetic location: 2q37.1.
Variant type: single nucleotide variant.
Coding change: c.455G>A on transcript NM_080424.4 (MANE Select); coding-DNA position 455, G replaced by A.
Protein change: p.Cys152Tyr; replaces cysteine 152 with tyrosine.
Molecular consequence: missense variant.
Genome position (GRCh38, 1-based): chr2:230,212,889, C>T on the plus strand (G>A on the coding strand, the complement: SP110 is on the minus strand). VCF-style: chr2-230212889-C-T. GRCh37 (hg19) VCF-style: chr2-231077604-C-T.
Other names: c.473G>A, p.Cys158Tyr (NM_001185015.2, NM_001378442.1, NM_001378444.1 and 2 more transcripts); c.455G>A, p.Cys152Tyr (NM_001378443.1, NM_001378447.1, NM_004509.5 and 1 more transcripts); short protein forms C152Y, C158Y.
Identifiers: ClinVar variation 2651991 (VCV002651991.24), dbSNP rs1441204648, ClinGen allele CA350916675.